The following is an entry in ClinVar:

ClinVar aggregate classification (germline): Pathogenic/Likely pathogenic. Review status: criteria provided, multiple submitters, no conflicts (2 of 4 stars). 3 submissions from 3 submitters: Pathogenic (2); Likely pathogenic (1). Last evaluated 2025-10-27.

Conditions:
PROM1-related disorder. Also called: PROM1-related condition; PROM1-related disorders.

Submissions (3):

PreventionGenetics, part of Exact Sciences
Classification: Likely pathogenic for PROM1-related condition. Last evaluated: 2025-10-27. Review status: criteria provided, single submitter. Criteria: ACMG Guidelines, 2015. Collection method: clinical testing. Allele origin: germline.
Comment: The PROM1 c.604C>T variant is predicted to result in premature protein termination (p.Arg202*). To our knowledge, this variant has not been reported in the literature or in a large population database (gnomAD), indicating this variant is rare. Nonsense variants in PROM1 are expected to be pathogenic. This variant is interpreted as likely pathogenic.

Women's Health and Genetics/Laboratory Corporation of America, LabCorp
Classification: Pathogenic for PROM1-Related Disorders. Last evaluated: 2025-09-12. Review status: criteria provided, single submitter. Criteria: LabCorp Variant Classification Summary - May 2015. Collection method: clinical testing. Allele origin: germline.
Comment: Variant summary: PROM1 c.604C>T (p.Arg202X) results in a premature termination codon, predicted to cause a truncation of the encoded protein or absence of the protein due to nonsense mediated decay, which are commonly known mechanisms for disease. The variant was absent in 249174 control chromosomes. To our knowledge, no occurrence of c.604C>T in individuals affected with PROM1-related conditions and no experimental evidence demonstrating its impact on protein function have been reported. No submitters have cited clinical-significance assessments for this variant to ClinVar. Based on the evidence outlined above, the variant was classified as pathogenic.

Blueprint Genetics
Classification: Pathogenic for PROM1-related disorders. Last evaluated: 2024-02-20. Review status: criteria provided, single submitter. Criteria: ACMG Guidelines, 2015. Collection method: clinical testing. Allele origin: germline. Affected: yes. Observed: 5 variant alleles.

NM_006017.3(PROM1):c.604C>T (p.Arg202Ter)

Gene: PROM1 (prominin 1; minus strand). Cytogenetic location: 4p15.32.
Variant type: single nucleotide variant.
Coding change: c.604C>T on transcript NM_006017.3 (MANE Select); coding-DNA position 604, C replaced by T.
Protein change: p.Arg202Ter; replaces arginine 202 with a stop codon.
Molecular consequence: nonsense. On other transcripts: non-coding transcript variant (2), intron variant (1).
Genome position (GRCh38, 1-based): chr4:16,025,218, G>A on the plus strand (C>T on the coding strand, the complement: PROM1 is on the minus strand). VCF-style: chr4-16025218-G-A. GRCh37 (hg19) VCF-style: chr4-16026841-G-A.
Other names: c.577C>T, p.Arg193Ter (NM_001145847.2, NM_001145848.2, NM_001145851.2 and 9 more transcripts); c.604C>T, p.Arg202Ter (NM_001145849.2, NM_001145850.2); c.238C>T, p.Arg80Ter (NM_001441179.1); c.519+58C>T (NM_001441174.1); c.604C>T (NM_006017.2); short protein forms R193*, R202*, R80*.
Identifiers: ClinVar variation 4535568 (VCV004535568.3).